The following is an entry in ClinVar:

NM_019066.5(MAGEL2):c.1963T>C (p.Ser655Pro)

Gene: MAGEL2 (MAGE family member L2; minus strand). Cytogenetic location: 15q11.2.
Variant type: single nucleotide variant.
Coding change: c.1963T>C on transcript NM_019066.5 (MANE Select); coding-DNA position 1963, T replaced by C.
Protein change: p.Ser655Pro; replaces serine 655 with proline.
Molecular consequence: missense variant.
Genome position (GRCh38, 1-based): chr15:23,645,780, A>G on the plus strand (T>C on the coding strand, the complement: MAGEL2 is on the minus strand). VCF-style: chr15-23645780-A-G. GRCh37 (hg19) VCF-style: chr15-23890927-A-G.
Other names: short protein forms S655P.
Identifiers: ClinVar variation 2634284 (VCV002634284.8), dbSNP rs777630733, ClinGen allele CA7429991.

ClinVar aggregate classification (germline): Uncertain significance. Review status: criteria provided, multiple submitters, no conflicts (2 of 4 stars). 4 submissions from 4 submitters: Uncertain significance (4). Last evaluated 2026-06-13.

Conditions:
MAGEL2-related disorder. Also called: MAGEL2-related condition.
Schaaf-Yang syndrome (SHFYNG). Also called: MAGEL2-related Prader-Willi-like syndrome; Arthrogryposis, distal, with hypopituitarism, intellectual disability, and facial anomalies. Identifiers: Orphanet 398069, MedGen C5575066, MONDO:0014243, OMIM 615547.

Allele frequency attached by ClinVar (database versions not stated): gnomAD exomes 0.00001; ExAC 0.00002; gnomAD 0.00003.
gnomAD v4.1: 22 of 1,583,826 alleles (0.0014%); highest among the groups gnomAD compares: Middle Eastern, 0.017%; no homozygotes.

Submissions (4):

PreventionGenetics, part of Exact Sciences
Classification: Uncertain significance for MAGEL2-related condition. Last evaluated: 2026-06-13. Review status: criteria provided, single submitter. Criteria: ACMG Guidelines, 2015. Collection method: clinical testing. Allele origin: germline.
Comment: The MAGEL2 c.1963T>C variant is predicted to result in the amino acid substitution p.Ser655Pro. To our knowledge, this variant has not been reported in the literature. This variant is reported in 0.0067% of alleles in individuals of Latino descent in gnomAD. Although we suspect that this variant may be benign, at this time, the clinical significance of this variant is uncertain due to the absence of conclusive functional and genetic evidence.

Labcorp Genetics (formerly Invitae), Labcorp
Classification: Uncertain significance. Last evaluated: 2023-07-29. Review status: criteria provided, single submitter. Criteria: Invitae Variant Classification Sherloc (09022015). Collection method: clinical testing. Allele origin: germline.
Comment: In summary, the available evidence is currently insufficient to determine the role of this variant in disease. Therefore, it has been classified as a Variant of Uncertain Significance. Advanced modeling of protein sequence and biophysical properties (such as structural, functional, and spatial information, amino acid conservation, physicochemical variation, residue mobility, and thermodynamic stability) performed at Invitae indicates that this missense variant is not expected to disrupt MAGEL2 protein function. This variant has not been reported in the literature in individuals affected with MAGEL2-related conditions. The frequency data for this variant in the population databases is considered unreliable, as metrics indicate poor data quality at this position in the gnomAD database. This sequence change replaces serine, which is neutral and polar, with proline, which is neutral and non-polar, at codon 655 of the MAGEL2 protein (p.Ser655Pro).

Revvity Omics, Revvity
Classification: Uncertain significance for Schaaf-Yang syndrome. Last evaluated: 2023-07-14. Review status: criteria provided, single submitter. Criteria: ACMG Guidelines, 2015. Collection method: clinical testing. Allele origin: germline.

Breakthrough Genomics
Classification: Uncertain significance. Review status: criteria provided, single submitter. Criteria: ACMG Guidelines, 2015. Collection method: not provided. Allele origin: germline. Inheritance: Autosomal dominant inheritance. Affected: yes.